The following is an entry in ClinVar:

NM_000057.4(BLM):c.1150G>C (p.Asp384His)

Gene: BLM (BLM RecQ like helicase; plus strand). Cytogenetic location: 15q26.1.
Variant type: single nucleotide variant.
Coding change: c.1150G>C on transcript NM_000057.4 (MANE Select); coding-DNA position 1150, G replaced by C.
Protein change: p.Asp384His; replaces aspartic acid 384 with histidine.
Molecular consequence: missense variant.
Genome position (GRCh38, 1-based): chr15:90,760,209, G>C. VCF-style: chr15-90760209-G-C. GRCh37 (hg19) VCF-style: chr15-91303439-G-C.
Other names: c.1150G>C, p.Asp384His (NM_001287246.2, NM_001287247.2); c.25G>C, p.Asp9His (NM_001287248.2); short protein forms D384H, D9H.
Identifiers: ClinVar variation 946010 (VCV000946010.10), dbSNP rs1895934142, ClinGen allele CA393842424.

ClinVar aggregate classification (germline): Uncertain significance (1 of 4 stars; one submission).

Conditions:
Bloom syndrome (BLM). Also called: Bloom-Torre-Machacek syndrome. Identifiers: Orphanet 125, MedGen C0005859, MONDO:0008876, OMIM 210900.

Submission:

Labcorp Genetics (formerly Invitae), Labcorp
Classification: Uncertain significance for Bloom syndrome. Last evaluated: 2024-09-05. Review status: criteria provided, single submitter. Criteria: Invitae Variant Classification Sherloc (09022015). Collection method: clinical testing. Allele origin: germline.
Comment: This sequence change replaces aspartic acid, which is acidic and polar, with histidine, which is basic and polar, at codon 384 of the BLM protein (p.Asp384His). This variant is not present in population databases (gnomAD no frequency). This variant has not been reported in the literature in individuals affected with BLM-related conditions. ClinVar contains an entry for this variant (Variation ID: 946010). Invitae Evidence Modeling of protein sequence and biophysical properties (such as structural, functional, and spatial information, amino acid conservation, physicochemical variation, residue mobility, and thermodynamic stability) indicates that this missense variant is expected to disrupt BLM protein function with a positive predictive value of 80%. In summary, the available evidence is currently insufficient to determine the role of this variant in disease. Therefore, it has been classified as a Variant of Uncertain Significance.